The following is an entry in ClinVar:

NM_001377.3(DYNC2H1):c.7326T>C (p.Tyr2442=)

Gene: DYNC2H1 (dynein cytoplasmic 2 heavy chain 1; plus strand). Cytogenetic location: 11q22.3.
Variant type: single nucleotide variant.
Coding change: c.7326T>C on transcript NM_001377.3 (MANE Select); coding-DNA position 7326, T replaced by C.
Protein change: p.Tyr2442=; no amino-acid change (tyrosine 2442 retained).
Molecular consequence: synonymous variant.
Genome position (GRCh38, 1-based): chr11:103,189,705, T>C. VCF-style: chr11-103189705-T-C. GRCh37 (hg19) VCF-style: chr11-103060434-T-C.
Other names: c.7326T>C, p.Tyr2442= (NM_001080463.2).
Identifiers: ClinVar variation 1948145 (VCV001948145.12), dbSNP rs558350168, ClinGen allele CA6254217.
Genomic context (GRCh38, chr11:103,189,705, plus strand): 5'-TTTCTTCTTATATGCCATTTTTTTTAGTTACCCAGAAAGAGAGCAGTTACAAACGATTTA[T>C]GGAGCATATTTGGAACCAGTTCTACATAAAAATCTGAAGAATCATTCTATTTGGGGTTCT-3'
Protein context (NP_001368.2, residues 2432-2452): YPEREQLQTI[Tyr2442=]GAYLEPVLHK

ClinVar aggregate classification (germline): Likely benign. Review status: criteria provided, multiple submitters, no conflicts (2 of 4 stars). 3 submissions from 3 submitters: Likely benign (3). Last evaluated 2025-12-28.

Conditions:
Jeune thoracic dystrophy. Also called: Short-rib thoracic dysplasia; Jeune syndrome; Infantile thoracic dystrophy; Thoracic pelvic phalangeal dystrophy; Jeune's syndrome; Chondroectodermal dysplasia-like syndrome. Identifiers: Orphanet 474, MedGen C0265275, MONDO:0018770.

Allele frequency attached by ClinVar (database versions not stated): TOPMed below 0.00001; gnomAD 0.00003; 1000 Genomes Project 30x 0.00016; ExAC 0.00017; 1000 Genomes Project 0.00020.
gnomAD v4.1: 123 of 1,613,122 alleles (0.0076%); highest among the groups gnomAD compares: South Asian, 0.13%; 3 homozygotes.

Submissions (3):

Labcorp Genetics (formerly Invitae), Labcorp
Classification: Likely benign for Jeune thoracic dystrophy. Last evaluated: 2025-12-28. Review status: criteria provided, single submitter. Criteria: Invitae Variant Classification Sherloc (09022015). Collection method: clinical testing. Allele origin: germline.

CeGaT Center for Human Genetics Tuebingen
Classification: Likely benign. Last evaluated: 2025-10-01. Review status: criteria provided, single submitter. Criteria: CeGaT Center For Human Genetics Tuebingen Variant Classification Criteria Version 2. Collection method: clinical testing. Allele origin: germline. Affected: yes. Observed: 1 variant allele.
Comment: DYNC2H1: BP4, BP7

Blueprint Genetics
Classification: Likely benign. Last evaluated: 2024-10-25. Review status: criteria provided, single submitter. Criteria: ACMG Guidelines, 2015. Collection method: clinical testing. Allele origin: germline.